The following is an entry in ClinVar:

NM_001845.6(COL4A1):c.4852G>A (p.Gly1618Ser)

Gene: COL4A1 (collagen type IV alpha 1 chain; minus strand). Cytogenetic location: 13q34.
Variant type: single nucleotide variant.
Coding change: c.4852G>A on transcript NM_001845.6 (MANE Select); coding-DNA position 4852, G replaced by A.
Protein change: p.Gly1618Ser; replaces glycine 1618 with serine.
Molecular consequence: missense variant.
Genome position (GRCh38, 1-based): chr13:110,152,410, C>T on the plus strand (G>A on the coding strand, the complement: COL4A1 is on the minus strand). VCF-style: chr13-110152410-C-T. GRCh37 (hg19) VCF-style: chr13-110804757-C-T.
Other names: short protein forms G1618S.
Identifiers: ClinVar variation 1712813 (VCV001712813.5), dbSNP rs781502396, ClinGen allele CA7046785.

ClinVar aggregate classification (germline): Uncertain significance. Review status: criteria provided, multiple submitters, no conflicts (2 of 4 stars). 3 submissions from 3 submitters: Uncertain significance (3). Last evaluated 2026-08-18.

Conditions:
Autosomal dominant familial hematuria-retinal arteriolar tortuosity-contractures syndrome. Also called: Angiopathy, hereditary, with nephropathy, aneurysms, and muscle cramps; Hereditary Angiopathy with Nephropathy, Aneurysms, and Muscle Cramps (HANAC) Syndrome. Identifiers: Orphanet 73229, MedGen C2673195, MONDO:0012726, OMIM 611773.
Brain small vessel disease 1 with or without ocular anomalies (BSVD1). Also called: Brain small vessel disease with or without ocular anomalies; PORENCEPHALY, TYPE 1, AUTOSOMAL DOMINANT; BRAIN SMALL VESSEL DISEASE WITH HEMORRHAGE; GOULD SYNDROME 1. Identifiers: Orphanet 2940, Orphanet 36383, Orphanet 99810, MedGen C4755307, MONDO:0008289, OMIM 175780.
Microangiopathy and leukoencephalopathy, pontine, autosomal dominant. Also called: Pontine autosomal dominant microangiopathy with leukoencephalopathy; DEMENTIA, HEREDITARY MULTI-INFARCT, SWEDISH TYPE. Identifiers: Orphanet 477749, MedGen C5231411, MONDO:0032814, OMIM 618564.
Hemorrhage, intracerebral, susceptibility to (ICH). Also called: Stroke, hemorrhagic, susceptibility to. Identifiers: MedGen C3281105, MONDO:0100533, OMIM 614519.
Retinal arterial tortuosity. Also called: Retinal arteries, tortuosity of; RETINAL HEMORRHAGE WITH VASCULAR TORTUOSITY. Identifiers: Orphanet 75326, MedGen C0423401, MONDO:0008373, OMIM 180000, HP:0000631.

Allele frequency attached by ClinVar (database versions not stated): TOPMed 0.00001; gnomAD exomes below 0.00001; ExAC 0.00001.
gnomAD v4.1: 6 of 1,614,208 alleles (0.00037%); highest among the groups gnomAD compares: African/African-American, 0.0013%; no homozygotes.

Submissions (3):

GeneDx
Classification: Uncertain significance. Last evaluated: 2026-08-18. Review status: criteria provided, single submitter. Criteria: GeneDx Variant Classification Process June 2021. Collection method: clinical testing. Allele origin: germline.
Comment: In silico analysis supports that this missense variant has a deleterious effect on protein structure/function; Has not been previously published as pathogenic or benign to our knowledge

Labcorp Genetics (formerly Invitae), Labcorp
Classification: Uncertain significance. Last evaluated: 2025-09-22. Review status: criteria provided, single submitter. Criteria: Invitae Variant Classification Sherloc (09022015). Collection method: clinical testing. Allele origin: germline.
Comment: This sequence change replaces glycine, which is neutral and non-polar, with serine, which is neutral and polar, at codon 1618 of the COL4A1 protein (p.Gly1618Ser). This variant is present in population databases (rs781502396, gnomAD 0.002%). This variant has not been reported in the literature in individuals affected with COL4A1-related conditions. ClinVar contains an entry for this variant (Variation ID: 1712813). Invitae Evidence Modeling of protein sequence and biophysical properties (such as structural, functional, and spatial information, amino acid conservation, physicochemical variation, residue mobility, and thermodynamic stability) has been performed for this missense variant. However, the output from this modeling did not meet the statistical confidence thresholds required to predict the impact of this variant on COL4A1 protein function. In summary, the available evidence is currently insufficient to determine the role of this variant in disease. Therefore, it has been classified as a Variant of Uncertain Significance.

Fulgent Genetics
Classification: Uncertain significance for Brain small vessel disease 1 with or without ocular anomalies; Retinal arterial tortuosity; Autosomal dominant familial hematuria-retinal arteriolar tortuosity-contractures syndrome; Hemorrhage, intracerebral, susceptibility to; Microangiopathy and leukoencephalopathy, pontine, autosomal dominant. Last evaluated: 2024-01-23. Review status: criteria provided, single submitter. Criteria: ACMG Guidelines, 2015. Collection method: clinical testing. Allele origin: germline.